The following is an entry in ClinVar:

ClinVar aggregate classification (germline): Conflicting classifications of pathogenicity. Review status: criteria provided, conflicting classifications (1 of 4 stars). 7 submissions from 7 submitters: Uncertain significance (1); Likely benign (5). 1 of the submissions does not count toward it. Last evaluated 2026-01-30.

Conditions:
Hyperlipoproteinemia, type I. Also called: Lipoprotein Lipase Deficiency; HYPERLIPOPROTEINEMIA, TYPE IA; LPL DEFICIENCY; Lipase D deficiency; Familial Lipoprotein Lipase Deficiency; Hyperlipoproteinemia type 1. Identifiers: Orphanet 309015, Orphanet 444490, MedGen C0023817, MONDO:0009387, OMIM 238600. Disease mechanism: loss of function.
Cardiovascular phenotype. Identifiers: MedGen CN230736.

Allele frequency attached by ClinVar (database versions not stated): ExAC 0.00061; gnomAD exomes 0.00064 and 0.00113; gnomAD 0.00079 and 0.00088; TOPMed 0.00095; ESP Exome Variant Server 0.00123.
gnomAD v4.1: 1,808 of 1,614,042 alleles (0.11%); highest among the groups gnomAD compares: Non-Finnish European, 0.13%; 2 homozygotes.

Submissions (7):

Labcorp Genetics (formerly Invitae), Labcorp
Classification: Likely benign. Last evaluated: 2026-01-30. Review status: criteria provided, single submitter. Criteria: Invitae Variant Classification Sherloc (09022015). Collection method: clinical testing. Allele origin: germline.

Blueprint Genetics
Classification: Likely benign. Last evaluated: 2024-11-15. Review status: criteria provided, single submitter. Criteria: ACMG Guidelines, 2015. Collection method: clinical testing. Allele origin: germline.

Women's Health and Genetics/Laboratory Corporation of America, LabCorp
Classification: Likely benign. Last evaluated: 2023-07-30. Review status: criteria provided, single submitter. Criteria: LabCorp Variant Classification Summary - May 2015. Collection method: clinical testing. Allele origin: germline.

CeGaT Center for Human Genetics Tuebingen
Classification: Likely benign. Last evaluated: 2022-11-01. Review status: criteria provided, single submitter. Criteria: CeGaT Center For Human Genetics Tuebingen Variant Classification Criteria Version 2. Collection method: clinical testing. Allele origin: germline. Affected: yes. Observed: 1 variant allele.
Comment: LPL: BP4, BP7

Ambry Genetics
Classification: Likely benign for Cardiovascular phenotype. Last evaluated: 2019-08-13. Review status: criteria provided, single submitter. Criteria: Ambry Variant Classification Scheme 2023. Collection method: clinical testing. Allele origin: germline.

Illumina Laboratory Services, Illumina
Classification: Uncertain significance for Hyperlipoproteinemia, type I. Last evaluated: 2017-08-05. Review status: criteria provided, single submitter. Criteria: ICSL Variant Classification Criteria 13 December 2019. Collection method: clinical testing. Allele origin: germline.
Comment: This variant was observed as part of a predisposition screen in an ostensibly healthy population. A literature search was performed for the gene, cDNA change, and amino acid change (where applicable). Publications were found based on this search. However, the evidence from the literature, in combination with allele frequency data from public databases where available, was not sufficient to rule this variant in or out of causing disease. Therefore, this variant is classified as a variant of unknown significance.

Natera, Inc.
Classification: Benign for Lipoprotein lipase deficiency. Last evaluated: 2020-04-14. Review status: no assertion criteria provided. Collection method: clinical testing. Allele origin: germline. Not counted in ClinVar's aggregate classification.

Literature cited by the submitters: PubMed 24212298 (cited by Illumina Laboratory Services, Illumina); PubMed 18068174 (cited by Illumina Laboratory Services, Illumina).

NM_000237.3(LPL):c.345A>C (p.Ser115=)

Gene: LPL (lipoprotein lipase; plus strand). Cytogenetic location: 8p21.3.
Variant type: single nucleotide variant.
Coding change: c.345A>C on transcript NM_000237.3 (MANE Select); coding-DNA position 345, A replaced by C.
Protein change: p.Ser115=; no amino-acid change (serine 115 retained).
Molecular consequence: synonymous variant.
Genome position (GRCh38, 1-based): chr8:19,951,864, A>C. VCF-style: chr8-19951864-A-C. GRCh37 (hg19) VCF-style: chr8-19809375-A-C.
Identifiers: ClinVar variation 719805 (VCV000719805.42), dbSNP rs147309575, ClinGen allele CA4655385.
Genomic context (GRCh38, chr8:19,951,864, plus strand): 5'-TGTGGCCGCCCTGTACAAGAGAGAACCAGACTCCAATGTCATTGTGGTGGACTGGCTGTC[A>C]CGGGCTCAGGAGCATTACCCAGTGTCCGCGGGCTACACCAAACTGGTGGGACAGGATGTG-3'
Protein context (NP_000228.1, residues 105-125): DSNVIVVDWL[Ser115=]RAQEHYPVSA